The following is an entry in ClinVar:

ClinVar aggregate classification (germline): Pathogenic (1 of 4 stars; one submission).

Submission:

Labcorp Genetics (formerly Invitae), Labcorp
Classification: Pathogenic. Last evaluated: 2022-03-26. Review status: criteria provided, single submitter. Criteria: Invitae Variant Classification Sherloc (09022015). Collection method: clinical testing. Allele origin: germline.
Comment: For these reasons, this variant has been classified as Pathogenic. This variant has not been reported in the literature in individuals affected with GFM1-related conditions. This variant is not present in population databases (gnomAD no frequency). This sequence change creates a premature translational stop signal (p.Gly545Valfs*8) in the GFM1 gene. It is expected to result in an absent or disrupted protein product. Loss-of-function variants in GFM1 are known to be pathogenic (PMID: 16632485, 17160893).

Literature cited by the submitters: PubMed 16632485; PubMed 17160893.

NM_024996.7(GFM1):c.1634del (p.Gly545fs)

Gene: GFM1 (G elongation factor mitochondrial 1; plus strand). Cytogenetic location: 3q25.32.
Variant type: Deletion.
Coding change: c.1634del on transcript NM_024996.7 (MANE Select); coding-DNA position 1634, one base deleted (G; older notation c.1634delG).
Protein change: p.Gly545fs; shifts the reading frame from glycine 545.
Molecular consequence: frameshift variant. On other transcripts: non-coding transcript variant (4).
Genome position (GRCh38, 1-based): chr3:158,682,027, G deleted; the last of 2 consecutive G bases (chr3:158,682,026-158,682,027); deleting either gives the same sequence. VCF-style (leftmost placement, unchanged base first): chr3-158682025-TG-T. GRCh37 (hg19) VCF-style: chr3-158399814-TG-T.
Other names: c.1691del, p.Gly564fs (NM_001308164.2); c.1634del, p.Gly545fs (NM_001308166.2); c.1553del, p.Gly518fs (NM_001374355.1); c.1517del, p.Gly506fs (NM_001374356.1); c.1409del, p.Gly470fs (NM_001374357.1); c.1175del, p.Gly392fs (NM_001374358.1); c.1067del, p.Gly356fs (NM_001374359.1, NM_001374360.1); c.950del, p.Gly317fs (NM_001374361.1); short protein forms G317fs, G356fs, G392fs, G506fs, G518fs, G564fs, G470fs, G545fs.
Identifiers: ClinVar variation 2117853 (VCV002117853.4), dbSNP rs2473036525, ClinGen allele CA2580068984.